The following is an entry in ClinVar:

NM_020975.6(RET):c.2125T>A (p.Phe709Ile)

Gene: RET (ret proto-oncogene; plus strand). Cytogenetic location: 10q11.21.
Variant type: single nucleotide variant.
Coding change: c.2125T>A on transcript NM_020975.6 (MANE Select); coding-DNA position 2125, T replaced by A.
Protein change: p.Phe709Ile; replaces phenylalanine 709 with isoleucine.
Molecular consequence: missense variant.
Genome position (GRCh38, 1-based): chr10:43,114,725, T>A. VCF-style: chr10-43114725-T-A. GRCh37 (hg19) VCF-style: chr10-43610173-T-A.
Other names: c.1729T>A, p.Phe577Ile (NM_001406772.1, NM_001406769.1); c.1399T>A, p.Phe467Ile (NM_001406778.1, NM_001406775.1, NM_001406776.1 and 1 more transcripts); c.1687T>A, p.Phe563Ile (NM_001406773.1, NM_001406771.1); c.1600T>A, p.Phe534Ile (NM_001406774.1); c.2125T>A, p.Phe709Ile (NM_000323.2, NM_001406743.1, NM_001406744.1 and 4 more transcripts); c.1363T>A, p.Phe455Ile (NM_001355216.2); c.1996T>A, p.Phe666Ile (NM_001406761.1, NM_001406762.1, NM_001406764.1); c.1990T>A, p.Phe664Ile (NM_001406763.1, NM_001406765.1); and 10 more; short protein forms F577I, F226I, F370I, F563I, F621I, F666I, F314I, F367I.
Identifiers: ClinVar variation 2587878 (VCV002587878.5), dbSNP rs771768140, ClinGen allele CA376553372.

ClinVar aggregate classification (germline): Uncertain significance. Review status: criteria provided, multiple submitters, no conflicts (2 of 4 stars). 2 submissions from 2 submitters: Uncertain significance (2). Last evaluated 2023-12-22.

Conditions:
Hereditary cancer-predisposing syndrome. Also called: Tumor predisposition; Hereditary Cancer Syndrome; Hereditary neoplastic syndrome; Neoplastic Syndromes, Hereditary. Identifiers: Orphanet 140162, MedGen C0027672, MeSH D009386, MONDO:0015356.
Multiple endocrine neoplasia, type 2 (MEN2). Identifiers: Orphanet 653, MedGen C4048306, MONDO:0019003. Disease mechanism: gain of function.

Submissions (2):

Labcorp Genetics (formerly Invitae), Labcorp
Classification: Uncertain significance for Multiple endocrine neoplasia, type 2. Last evaluated: 2023-12-22. Review status: criteria provided, single submitter. Criteria: Invitae Variant Classification Sherloc (09022015). Collection method: clinical testing. Allele origin: germline.
Comment: This sequence change replaces phenylalanine, which is neutral and non-polar, with isoleucine, which is neutral and non-polar, at codon 709 of the RET protein (p.Phe709Ile). This variant is not present in population databases (gnomAD no frequency). This variant has not been reported in the literature in individuals affected with RET-related conditions. ClinVar contains an entry for this variant (Variation ID: 2587878). An algorithm developed to predict the effect of missense changes on protein structure and function (PolyPhen-2) suggests that this variant is likely to be tolerated. In summary, the available evidence is currently insufficient to determine the role of this variant in disease. Therefore, it has been classified as a Variant of Uncertain Significance.

Ambry Genetics
Classification: Uncertain significance for Hereditary cancer-predisposing syndrome. Last evaluated: 2023-07-12. Review status: criteria provided, single submitter. Criteria: Ambry Variant Classification Scheme 2023. Collection method: clinical testing. Allele origin: germline.
Comment: The p.F709I variant (also known as c.2125T>A), located in coding exon 11 of the RET gene, results from a T to A substitution at nucleotide position 2125. The phenylalanine at codon 709 is replaced by isoleucine, an amino acid with highly similar properties. This amino acid position is conserved. In addition, the in silico prediction for this alteration is inconclusive. Since supporting evidence is limited at this time, the clinical significance of this alteration remains unclear.